The following is an entry in ClinVar:

ClinVar aggregate classification (germline): Uncertain significance (1 of 4 stars; one submission).

Submission:

Ambry Genetics
Classification: Uncertain significance. Last evaluated: 2025-10-14. Review status: criteria provided, single submitter. Criteria: Ambry Variant Classification Scheme 2023. Collection method: clinical testing. Allele origin: germline.
Comment: The p.G1599R variant (also known as c.4795G>C), located in coding exon 19 of the WNK2 gene, results from a G to C substitution at nucleotide position 4795. The glycine at codon 1599 is replaced by arginine, an amino acid with dissimilar properties. This amino acid position is conserved. In addition, this alteration is predicted to be tolerated by in silico analysis. Based on the available evidence, the clinical significance of this variant remains unclear.

NM_006648.4(WNK2):c.4795G>C (p.Gly1599Arg)

Gene: WNK2 (WNK lysine deficient protein kinase 2; plus strand). Cytogenetic location: 9q22.31.
Variant type: single nucleotide variant.
Coding change: c.4795G>C on transcript NM_006648.4 (MANE Select); coding-DNA position 4795, G replaced by C.
Protein change: p.Gly1599Arg; replaces glycine 1599 with arginine.
Molecular consequence: missense variant.
Genome position (GRCh38, 1-based): chr9:93,289,549, G>C. VCF-style: chr9-93289549-G-C. GRCh37 (hg19) VCF-style: chr9-96051831-G-C.
Other names: c.4906G>C, p.Gly1636Arg (NM_001282394.3); short protein forms G1636R, G1599R.
Identifiers: ClinVar variation 4605256 (VCV004605256.1).